The following is an entry in ClinVar:

NM_001267550.2(TTN):c.86379_86382del (p.Asp28794fs)

Genes: TTN (titin; minus strand), TTN-AS1 (TTN antisense RNA 1; plus strand). Cytogenetic location: 2q31.2.
Variant type: Deletion.
Coding change: c.86379_86382del on transcript NM_001267550.2 (MANE Select); coding-DNA positions 86379 to 86382, 4 bases deleted (TGAC; older notation c.86379_86382delTGAC).
Protein change: p.Asp28794fs; shifts the reading frame from aspartic acid 28794.
Molecular consequence: frameshift variant.
Genome position (GRCh38, 1-based): chr2:178,559,750-178,559,753, GTCA deleted on the plus strand (TGAC on the coding strand, the reverse complement: TTN is on the minus strand); deleting any 4 consecutive bases within chr2:178,559,750-178,559,755 gives the same sequence; the c. name uses the placement nearest the transcript's 3' end. VCF-style (leftmost placement, unchanged base first): chr2-178559749-GGTCA-G. GRCh37 (hg19) VCF-style: chr2-179424476-GGTCA-G.
Other names: c.81456_81459del, p.Asp27153fs (NM_001256850.1); c.59184_59187del, p.Asp19729fs (NM_003319.4); c.78675_78678del, p.Asp26226fs (NM_133378.4); c.59559_59562del, p.Asp19854fs (NM_133432.3); c.59760_59763del, p.Asp19921fs (NM_133437.4); short protein forms D19729fs, D19854fs, D19921fs, D26226fs, D27153fs, D28794fs.
Identifiers: ClinVar variation 3075948 (VCV003075948.1), dbSNP rs2469631439, ClinGen allele CA2825001018.

ClinVar aggregate classification (germline): Likely pathogenic (1 of 4 stars; one submission).

Conditions:
Primary dilated cardiomyopathy (DCM). Also called: Dilated Cardiomyopathy. Identifiers: Orphanet 217604, MedGen C0007193, MeSH D002311, MONDO:0005021, HP:0001644. Inheritance: Various modes of inheritance.

Submission:

Laboratory for Molecular Medicine, Mass General Brigham Personalized Medicine
Classification: Likely pathogenic for Primary dilated cardiomyopathy. Last evaluated: 2023-07-21. Review status: criteria provided, single submitter. Criteria: ACMG Guidelines, 2015. Collection method: clinical testing. Allele origin: germline. Inheritance: Autosomal dominant inheritance.
Comment: The p.Asp26226SerfsX16 variant in TTN has not been reported in individuals with cardiomyopathy nor in large population studies (gnomAD v.3.1.2). This variant is predicted to cause a frameshift, which alters the protein’s amino acid sequence beginning at position 26226 and leads to a premature termination codon 16 amino acids downstream. TTN truncating variants encoded in constitutive exons (PSI >95%) have been found to be significantly associated with dilated cardiomyopathy, regardless of their position in Titin (Roberts 2015 PMID:25589632, Schafer 2017 PMID:27869827). This variant is located in such a highly expressed exon in the A-band. In summary, although additional studies are required to fully establish its clinical significance, this variant meets criteria to be classified as likely pathogenic for autosomal dominant cardiomyopathy. ACMG/AMP Criteria applied: PVS1, PM2_Supporting.

Literature cited by the submitters: PubMed 25589632; PubMed 27869827.